The following is an entry in ClinVar:

NM_006346.4(PIBF1):c.812G>A (p.Arg271His)

Gene: PIBF1 (progesterone immunomodulatory binding factor 1; plus strand). Cytogenetic location: 13q22.1.
Variant type: single nucleotide variant.
Coding change: c.812G>A on transcript NM_006346.4 (MANE Select); coding-DNA position 812, G replaced by A.
Protein change: p.Arg271His; replaces arginine 271 with histidine.
Molecular consequence: missense variant. On other transcripts: non-coding transcript variant (2).
Genome position (GRCh38, 1-based): chr13:72,827,015, G>A. VCF-style: chr13-72827015-G-A. GRCh37 (hg19) VCF-style: chr13-73401153-G-A.
Other names: c.812G>A, p.Arg271His (NM_001349655.2); short protein forms R271H.
Identifiers: ClinVar variation 1898740 (VCV001898740.5), dbSNP rs370390563, ClinGen allele CA7002067.

ClinVar aggregate classification (germline): Uncertain significance (1 of 4 stars; one submission).

Allele frequency attached by ClinVar (database versions not stated): ESP Exome Variant Server 0.00008; gnomAD 0.00001; gnomAD exomes 0.00001; TOPMed 0.00001; ExAC 0.00003.
gnomAD v4.1: 20 of 1,584,500 alleles (0.0013%); highest among the groups gnomAD compares: Admixed American, 0.0035%; no homozygotes.

Submission:

Labcorp Genetics (formerly Invitae), Labcorp
Classification: Uncertain significance. Last evaluated: 2022-06-05. Review status: criteria provided, single submitter. Criteria: Invitae Variant Classification Sherloc (09022015). Collection method: clinical testing. Allele origin: germline.
Comment: This sequence change replaces arginine, which is basic and polar, with histidine, which is basic and polar, at codon 271 of the PIBF1 protein (p.Arg271His). This variant is present in population databases (rs370390563, gnomAD 0.004%). This variant has not been reported in the literature in individuals affected with PIBF1-related conditions. Algorithms developed to predict the effect of missense changes on protein structure and function are either unavailable or do not agree on the potential impact of this missense change (SIFT: "Deleterious"; PolyPhen-2: "Possibly Damaging"; Align-GVGD: "Class C0"). In summary, the available evidence is currently insufficient to determine the role of this variant in disease. Therefore, it has been classified as a Variant of Uncertain Significance.